The following is an entry in ClinVar:

ClinVar aggregate classification (germline): Pathogenic. Review status: criteria provided, multiple submitters, no conflicts (2 of 4 stars). 2 submissions from 2 submitters: Pathogenic (2). Last evaluated 2023-12-11.

Conditions:
Gorlin syndrome. Also called: Nevoid Basal Cell Carcinoma Syndrome; Basal cell nevus syndrome. Identifiers: Orphanet 377, MedGen C0004779, MONDO:0007187.

Submissions (2):

Labcorp Genetics (formerly Invitae), Labcorp
Classification: Pathogenic for Gorlin syndrome. Last evaluated: 2023-12-11. Review status: criteria provided, single submitter. Criteria: Invitae Variant Classification Sherloc (09022015). Collection method: clinical testing. Allele origin: germline.
Comment: This sequence change affects a donor splice site in intron 10 of the PTCH1 gene. It is expected to disrupt RNA splicing. Variants that disrupt the donor or acceptor splice site typically lead to a loss of protein function (PMID: 16199547), and loss-of-function variants in PTCH1 are known to be pathogenic (PMID: 16301862, 16419085). This variant is not present in population databases (gnomAD no frequency). Disruption of this splice site has been observed in individuals with basal cell nevus syndrome (BCNS) and/or PTCH1-related conditions (PMID: 16301862, 35437209; Invitae). This variant is also known as IVS10+1G>C. ClinVar contains an entry for this variant (Variation ID: 219879). Algorithms developed to predict the effect of sequence changes on RNA splicing suggest that this variant may disrupt the consensus splice site. For these reasons, this variant has been classified as Pathogenic.

GeneDx
Classification: Pathogenic. Last evaluated: 2015-07-21. Review status: criteria provided, single submitter. Criteria: GeneDx Variant Classification (06012015). Collection method: clinical testing. Allele origin: germline. Affected: yes.
Comment: The c.1503+1 G>C splice site variant in the PTCH1 gene has been previously reported in association withGorlin syndrome (Klein et al., 2005). This variant destroys the canonical splice donor site in intron 10, and isexpected to cause abnormal gene splicing. Therefore, we consider the c.1503+1 G>C variant in PTCH1 as pathogenic.

Literature cited by the submitters: PubMed 16199547 (cited by Labcorp Genetics (formerly Invitae), Labcorp); PubMed 16301862 (cited by Labcorp Genetics (formerly Invitae), Labcorp); PubMed 16419085 (cited by Labcorp Genetics (formerly Invitae), Labcorp); PubMed 35437209 (cited by Labcorp Genetics (formerly Invitae), Labcorp).

NM_000264.5(PTCH1):c.1503+1G>C

Gene: PTCH1 (patched 1; minus strand). Cytogenetic location: 9q22.32.
Variant type: single nucleotide variant.
Coding change: c.1503+1G>C on transcript NM_000264.5 (MANE Select); the canonical splice donor site of the intron after coding-DNA position 1503, G replaced by C.
Molecular consequence: splice donor variant. On other transcripts: intron variant (1).
Genome position (GRCh38, 1-based): chr9:95,477,546, C>G on the plus strand (G>C on the coding strand, the complement: PTCH1 is on the minus strand). VCF-style: chr9-95477546-C-G. GRCh37 (hg19) VCF-style: chr9-98239828-C-G.
Other names: c.1500+1G>C (NM_001083603.3); c.1305+1G>C (NM_001083602.3); c.1347+509G>C (NM_001354918.2); c.1050+1G>C (NM_001083605.3, NM_001083604.3, NM_001083606.3 and 1 more transcripts).
Identifiers: ClinVar variation 219879 (VCV000219879.10), dbSNP rs864622293, ClinGen allele CA348486.
Genomic context (GRCh38, chr9:95,477,546, plus strand): 5'-CCAAGCCTGGGGGCCGGGTGGCATTTGTCAACGGACAGCAGATAAATGGCTCCTTTAGTA[C>G]CTGAGTTGTTGCAGCGTTAAAGGAAATTCCGATCAATGAGCACAGGCCCAGTCCTGCAGC-3'